The following is an entry in ClinVar:

NM_001166271.3(SPATA13):c.2710G>A (p.Val904Ile)

Gene: SPATA13 (spermatogenesis associated 13; plus strand). Cytogenetic location: 13q12.12.
Variant type: single nucleotide variant.
Coding change: c.2710G>A on transcript NM_001166271.3 (MANE Select); coding-DNA position 2710, G replaced by A.
Protein change: p.Val904Ile; replaces valine 904 with isoleucine.
Molecular consequence: missense variant.
Genome position (GRCh38, 1-based): chr13:24,289,041, G>A. VCF-style: chr13-24289041-G-A. GRCh37 (hg19) VCF-style: chr13-24863179-G-A.
Other names: c.2896G>A, p.Val966Ile (NM_001286792.2); c.415G>A, p.Val139Ile (NM_001286793.2); c.667G>A, p.Val223Ile (NM_001286794.2); c.601G>A, p.Val201Ile (NM_001286795.2); c.835G>A, p.Val279Ile (NM_153023.4); c.2710G>A (NM_001166271.2); short protein forms V904I, V139I, V279I, V223I, V966I, V201I.
Identifiers: ClinVar variation 2248719 (VCV002248719.4), dbSNP rs145716754, ClinGen allele CA6914334.

ClinVar aggregate classification (germline): Uncertain significance. Review status: criteria provided, single submitter (1 of 4 stars). 2 submissions from 2 submitters: Uncertain significance (1). 1 of the submissions does not count toward it. Last evaluated 2021-07-14.

Conditions:
SPATA13-related disorder. Also called: SPATA13-related condition.

Allele frequency attached by ClinVar (database versions not stated): 1000 Genomes Project 30x 0.00031; 1000 Genomes Project 0.00040; gnomAD 0.00108; TOPMed 0.00109; ESP Exome Variant Server 0.00131.
gnomAD v4.1: 2,131 of 1,613,678 alleles (0.13%); highest among the groups gnomAD compares: Non-Finnish European, 0.15%; 4 homozygotes.

Submissions (2):

Ambry Genetics
Classification: Uncertain significance. Last evaluated: 2021-07-14. Review status: criteria provided, single submitter. Criteria: Ambry Variant Classification Scheme 2023. Collection method: clinical testing. Allele origin: germline.

PreventionGenetics, part of Exact Sciences
Classification: Likely benign for SPATA13-related condition. Last evaluated: 2019-12-27. Review status: no assertion criteria provided. Collection method: clinical testing. Allele origin: germline. Not counted in ClinVar's aggregate classification.
Comment: This variant is classified as likely benign based on ACMG/AMP sequence variant interpretation guidelines (Richards et al. 2015 PMID: 25741868, with internal and published modifications).